The following is an entry in ClinVar:

NM_058195.4(CDKN2A):c.8G>T (p.Arg3Leu)

Gene: CDKN2A (cyclin dependent kinase inhibitor 2A; minus strand). Cytogenetic location: 9p21.3.
Variant type: single nucleotide variant.
Coding change: c.8G>T on transcript NM_058195.4 (MANE Plus Clinical); coding-DNA position 8, G replaced by T.
Protein change: p.Arg3Leu; replaces arginine 3 with leucine.
Molecular consequence: missense variant. On other transcripts: intron variant (1).
Genome position (GRCh38, 1-based): chr9:21,994,324, C>A on the plus strand (G>T on the coding strand, the complement: CDKN2A is on the minus strand). VCF-style: chr9-21994324-C-A. GRCh37 (hg19) VCF-style: chr9-21994323-C-A.
Other names: c.-4+497G>T (NM_001363763.2); short protein forms R3L.
Identifiers: ClinVar variation 3489650 (VCV003489650.1).

ClinVar aggregate classification (germline): Uncertain significance (1 of 4 stars; one submission).

Conditions:
Hereditary cancer-predisposing syndrome. Also called: Tumor predisposition; Hereditary Cancer Syndrome; Neoplastic Syndromes, Hereditary; Hereditary neoplastic syndrome. Identifiers: Orphanet 140162, MedGen C0027672, MeSH D009386, MONDO:0015356.

Submission:

Ambry Genetics
Classification: Uncertain significance for Hereditary cancer-predisposing syndrome. Last evaluated: 2024-07-03. Review status: criteria provided, single submitter. Criteria: Ambry Variant Classification Scheme 2023. Collection method: clinical testing. Allele origin: germline.
Comment: The p.R3L variant (also known as c.8G>T), located in coding exon 1 of the CDKN2A (p14ARF) gene, results from a G to T substitution at nucleotide position 8. The arginine at codon 3 is replaced by leucine, an amino acid with dissimilar properties. This amino acid position is highly conserved in available vertebrate species. In addition, the in silico prediction for this alteration is inconclusive. Based on the available evidence, the clinical significance of this variant remains unclear.